The following is an entry in ClinVar:

ClinVar aggregate classification (germline): Pathogenic. Review status: criteria provided, multiple submitters, no conflicts (2 of 4 stars). 2 submissions from 2 submitters: Pathogenic (2). Last evaluated 2023-05-04.

Conditions:
Familial adenomatous polyposis 1 (FAP1). Also called: POLYPOSIS, ADENOMATOUS INTESTINAL; FAMILIAL ADENOMATOUS POLYPOSIS 1, ATTENUATED. Identifiers: MedGen C2713442, MONDO:0021056, OMIM 175100. Disease mechanism: loss of function.

Submissions (2):

Myriad Genetics, Inc.
Classification: Pathogenic for Familial adenomatous polyposis 1. Last evaluated: 2023-05-04. Review status: criteria provided, single submitter. Criteria: Myriad Autosomal Dominant, Autosomal Recessive and X-Linked Classification Criteria (2023). Collection method: clinical testing. Allele origin: unknown.
Comment: This variant is considered pathogenic. This variant creates a frameshift predicted to result in premature protein truncation.

Labcorp Genetics (formerly Invitae), Labcorp
Classification: Pathogenic for Familial adenomatous polyposis 1. Last evaluated: 2023-02-15. Review status: criteria provided, single submitter. Criteria: Invitae Variant Classification Sherloc (09022015). Collection method: clinical testing. Allele origin: germline.
Comment: A different truncation (p.Tyr2645Lysfs*14) that lies downstream of this variant has been determined to be pathogenic (PMID: 9824584, 1316610, 27081525, 8381579, 22135120, Invitae). This suggests that deletion of this region of the APC protein is causative of disease. This variant is expected to disrupt the EB1 and HDLG binding sites, which mediate interactions with the cytoskeleton (PMID: 15311282, 17293347). While functional studies have not been performed to directly test the effect on APC protein function, this suggests that disruption of the C-terminal portion of the protein is functionally important. ClinVar contains an entry for this variant (Variation ID: 944392). This premature translational stop signal has been observed in individual(s) with clinical features of familial adenomatous polyposis (PMID: 7746201, 11960572). This variant is not present in population databases (gnomAD no frequency). This sequence change creates a premature translational stop signal (p.Tyr796Trpfs*2) in the APC gene. While this is not anticipated to result in nonsense mediated decay, it is expected to disrupt the last 2048 amino acid(s) of the APC protein. For these reasons, this variant has been classified as Pathogenic.

Literature cited by the submitters: PubMed 9824584 (cited by Labcorp Genetics (formerly Invitae), Labcorp); PubMed 1316610 (cited by Labcorp Genetics (formerly Invitae), Labcorp); PubMed 27081525 (cited by Labcorp Genetics (formerly Invitae), Labcorp); PubMed 8381579 (cited by Labcorp Genetics (formerly Invitae), Labcorp); PubMed 22135120 (cited by Labcorp Genetics (formerly Invitae), Labcorp); PubMed 15311282 (cited by Labcorp Genetics (formerly Invitae), Labcorp); PubMed 17293347 (cited by Labcorp Genetics (formerly Invitae), Labcorp); PubMed 7746201 (cited by Labcorp Genetics (formerly Invitae), Labcorp); PubMed 11960572 (cited by Labcorp Genetics (formerly Invitae), Labcorp).

NM_000038.6(APC):c.2387_2388del (p.Tyr796fs)

Gene: APC (APC regulator of Wnt signaling pathway; plus strand). Cytogenetic location: 5q22.2.
Variant type: Deletion.
Coding change: c.2387_2388del on transcript NM_000038.6 (MANE Select); coding-DNA positions 2387 to 2388, 2 bases deleted (AT; older notation c.2387_2388delAT).
Protein change: p.Tyr796fs; shifts the reading frame from tyrosine 796.
Molecular consequence: frameshift variant.
Genome position (GRCh38, 1-based): chr5:112,837,981-112,837,982, AT deleted; deleting any 2 consecutive bases within chr5:112,837,980-112,837,982 gives the same sequence; the c. name uses the placement nearest the transcript's 3' end. VCF-style (leftmost placement, unchanged base first): chr5-112837979-CTA-C. GRCh37 (hg19) VCF-style: chr5-112173676-CTA-C.
Other names: c.2387_2388del, p.Tyr796fs (NM_001127510.3, NM_001354895.2); c.2333_2334del, p.Tyr778fs (NM_001127511.3); c.2441_2442del, p.Tyr814fs (NM_001354896.2); c.2417_2418del, p.Tyr806fs (NM_001354897.2); c.2312_2313del, p.Tyr771fs (NM_001354898.2); c.2303_2304del, p.Tyr768fs (NM_001354899.2); c.2264_2265del, p.Tyr755fs (NM_001354900.2); c.2210_2211del, p.Tyr737fs (NM_001354901.2); and 5 more; short protein forms Y513fs, Y636fs, Y755fs, Y814fs, Y670fs, Y695fs, Y737fs, Y771fs.
Identifiers: ClinVar variation 944392 (VCV000944392.12), dbSNP rs1765168337, ClinGen allele CA645562841.
Genomic context (GRCh38, chr5:112,837,979, plus strand): 5'-TATAGACAATTTAAGTCCCAAGGCATCTCATCGTAGTAAGCAGAGACACAAGCAAAGTCT[CTA>C]TGGTGATTATGTTTTTGACACCAATCGACATGATGATAATAGGTCAGACAATTTTAATAC-3'